The following continues an entry in ClinVar:

NM_000059.4(BRCA2):c.574_575del (p.Met192fs)

Gene: BRCA2. ClinVar aggregate classification (germline): Pathogenic. Pathogenic (1).

Submissions 11 to 25 of 25:

All of Us Research Program, National Institutes of Health
Classification: Pathogenic for Breast-ovarian cancer, familial, susceptibility to, 2. Last evaluated: 2023-11-09. Review status: criteria provided, single submitter. Criteria: ACMG Guidelines, 2015. Collection method: clinical testing. Allele origin: germline. Inheritance: Autosomal dominant inheritance. Observed: 1 variant allele, 1 heterozygote. Not counted in ClinVar's aggregate classification.
Comment: This variant deletes 2 nucleotides in exon 7 of the BRCA2 gene, creating a frameshift and premature translation stop signal. This variant is also known as 800delAT in the literature. This variant is expected to result in an absent or non-functional protein product. To our knowledge, functional studies have not been reported for this variant. This variant has been reported in at least six individuals affected with breast and/or ovarian cancer (PMID: 12672316, 21913181, 24094589, 24131973, 26681312, 31090900). This variant has not been identified in the general population by the Genome Aggregation Database (gnomAD). Loss of BRCA2 function is a known mechanism of disease. Based on the available evidence, this variant is classified as Pathogenic.

This study involves interpretation of variants in research participants for the purpose of population health screening. Participant phenotype was not available at the time of variant classification. Additional details can be found in publication PMID: 35346344, PMCID: PMC8962531

GeneDx
Classification: Pathogenic. Last evaluated: 2023-08-17. Review status: criteria provided, single submitter. Criteria: GeneDx Variant Classification Process June 2021. Collection method: clinical testing. Allele origin: germline. Affected: yes. Not counted in ClinVar's aggregate classification.
Comment: Published functional studies demonstrate a damaging effect: failed to rescue susceptibility to DNA damaging agents (Stauffer et al., 2020); Frameshift variant predicted to result in protein truncation or nonsense mediated decay in a gene for which loss-of-function is a known mechanism of disease; Truncating variants in this gene are considered pathogenic by a well-established clinical consortium and/or database; Not observed in large population cohorts (gnomAD); Also known as 802delAT and 800delAT, 802_803delAT; This variant is associated with the following publications: (PMID: 12960223, 23983145, 20215541, 16644204, 24131973, 17899372, 26295337, 24094589, 21913181, 31090900, 26681312, 12672316, 30267352, 33758026, 28888541, 30787465, 32393813)

Mayo Clinic Laboratories, Mayo Clinic
Classification: Pathogenic. Last evaluated: 2022-08-04. Review status: criteria provided, single submitter. Criteria: ACMG Guidelines, 2015. Collection method: clinical testing. Allele origin: germline. Observed: 2 variant alleles. Not counted in ClinVar's aggregate classification.
Comment: PP5, PM2, PVS1

Ambry Genetics
Classification: Pathogenic for Hereditary cancer-predisposing syndrome. Last evaluated: 2021-06-28. Review status: criteria provided, single submitter. Criteria: Ambry Variant Classification Scheme 2023. Collection method: clinical testing. Allele origin: germline. Not counted in ClinVar's aggregate classification.
Comment: The c.574_575delAT pathogenic mutation, located in coding exon 6 of the BRCA2 gene, results from a deletion of two nucleotides at nucleotide positions 574 to 575, causing a translational frameshift with a predicted alternate stop codon (p.M192Vfs*13). This alteration (also designated 800delAT and 802delAT) has been identified in multiple breast, ovarian, and pancreatic cancer patients (Lalloo F et al. Lancet. 2003 Mar;361:1101-2; Evans DG et al. J. Med. Genet. 2003 Sep;40:e107; Sanz DJ et al. Clin Cancer Res. 2010 Mar;16:1957-67; Litton J et al. Cancer. 2012 Jan;118:321-5; Walker EJ et al. Fam Cancer. 2019 04;18:241-251; Nones K et al. Ann Oncol. 2019 07;30:1071-1079). In addition to the clinical data presented in the literature, this alteration is expected to result in loss of function by premature protein truncation or nonsense-mediated mRNA decay. As such, this alteration is interpreted as a disease-causing mutation.

Molecular Genetics Laboratory, University of Michigan
Classification: Pathogenic for Breast-ovarian cancer, familial, susceptibility to, 2. Last evaluated: 2016-04-21. Review status: criteria provided, single submitter. Criteria: ACMG Guidelines, 2015. Collection method: clinical testing. Allele origin: germline. Affected: yes. Not counted in ClinVar's aggregate classification.

Women's Health and Genetics/Laboratory Corporation of America, LabCorp
Classification: Pathogenic for Hereditary breast ovarian cancer syndrome. Last evaluated: 2016-01-22. Review status: criteria provided, single submitter. Criteria: LabCorp Variant Classification Summary - May 2015. Collection method: clinical testing. Allele origin: germline. Not counted in ClinVar's aggregate classification.
Comment: Variant summary: This c.574_575delAT variant causes a frameshift, which alters the proteins amino acid sequence beginning at position 192 and leads to a premature termination codon 12 amino acids downstream. It is predicted to cause a truncated or absent BRCA2 protein. Heterozygous loss-of-function due to mutations in this gene is an established disease mechanism in HBOC. Truncations downstream of this position have been classified as pathogenic by our laboratory (e.g. p.Asp252fs). This variant was not found in approximately 121394 chromosomes from the broad and large populations from ExAC. This variant has been reported in many HBOC patients/families from literature and databases. Multiple clinical laboratories and reputable databases have classified this variant as pathogenic. Taken together, this variant has currently been classified as a Pathogenic.

Consortium of Investigators of Modifiers of BRCA1/2 (CIMBA), c/o University of Cambridge
Classification: Pathogenic for Breast-ovarian cancer, familial, susceptibility to, 2. Last evaluated: 2015-10-02. Review status: criteria provided, single submitter. Criteria: CIMBA Mutation Classification guidelines May 2016. Collection method: clinical testing. Allele origin: germline. Not counted in ClinVar's aggregate classification.

University Health Network, Familial Cancer Clinic, Princess Margaret Cancer Centre
Classification: Pathogenic for BRCA2-related cancer predisposition. Review status: criteria provided, single submitter. Criteria: ACMG Guidelines, 2015. Collection method: clinical testing. Allele origin: germline. Inheritance: Autosomal dominant inheritance. Affected: yes and no. Observed: 2 variant alleles. Not counted in ClinVar's aggregate classification.

Counsyl
Classification: Pathogenic for Breast-ovarian cancer, familial, susceptibility to, 2. Last evaluated: 2016-08-29. Review status: no assertion criteria provided. Collection method: clinical testing. Allele origin: unknown. Not counted in ClinVar's aggregate classification.

Research Molecular Genetics Laboratory, Women's College Hospital, University of Toronto
Classification: Pathogenic for Hereditary breast ovarian cancer syndrome. Last evaluated: 2014-01-31. Review status: no assertion criteria provided. Collection method: research. Allele origin: germline. Affected: yes. Study: The Canadian Open Genetics Repository (COGR). Not counted in ClinVar's aggregate classification.

Sharing Clinical Reports Project (SCRP)
Classification: Pathogenic for Breast-ovarian cancer, familial 2. Last evaluated: 2013-07-05. Review status: no assertion criteria provided. Collection method: clinical testing. Allele origin: germline. Not counted in ClinVar's aggregate classification.

Breast Cancer Information Core (BIC) (BRCA2)
Classification: Pathogenic for Breast-ovarian cancer, familial 2. Last evaluated: 2002-05-29. Review status: no assertion criteria provided. Collection method: clinical testing. Allele origin: germline, unknown. Affected: yes. Observed: 30 variant alleles. Not counted in ClinVar's aggregate classification.

CHARM Consortium
No classification provided. Condition: Breast-ovarian cancer, familial, susceptibility to, 2. Review status: no classification provided. Collection method: phenotyping only. Allele origin: germline. Affected: yes. Not counted in ClinVar's aggregate classification.

Department of Pathology and Laboratory Medicine, Sinai Health System
Classification: Pathogenic for Malignant tumor of breast. Review status: no assertion criteria provided. Collection method: clinical testing. Allele origin: unknown. Affected: yes. Observed: 2 variant alleles. Study: The Canadian Open Genetics Repository (COGR). Not counted in ClinVar's aggregate classification.
Comment: The BRCA2 p.Met192ValfsX13 variant was identified in 3 of 2638 proband chromosomes (frequency: 0.0011) from individuals or families with hereditary breast and ovarian cancer (Evans 2003, Litton 2011, Safra 2013). The variant was also identified in dbSNP (ID: rs587782398) with no classification, ClinVar (11x as pathogenic, reviewed by expert panel), LOVD 3.0 (3x), UMD-LSDB (9x as causal), BIC Database (30x as pathogenic), and ARUP Laboratories (as definitely pathogenic). The variant was not identified in Cosmic, MutDB, Zhejiang Colon Cancer databases. The variant was not identified in the 1000 Genomes Project, the NHLBI GO Exome Sequencing Project or the Exome Aggregation Consortium (August 8th 2016) control databases. The p.Met192ValfsX13 variant is predicted to cause a frameshift, which alters the protein's amino acid sequence beginning at codon 192 and leads to a premature stop codon at position 204. This alteration is then predicted to result in a truncated or absent protein and loss of function. Loss of function variants of the BRCA2 gene are an established mechanism of disease in hereditary breast and ovarian cancer and is the type of variant expected to cause the disorder. In summary, based on the above information this variant meets our laboratoryâ€šÃ„Ã´s criteria to be classified as pathogenic.

Ambry Genetics
Classification: Pathogenic for Neoplastic Syndromes, Hereditary. Last evaluated: 2013-07-19. Review status: flagged submission. Criteria: Ambry Autosomal Dominant and X-Linked criteria (9/4/14). Collection method: clinical testing. Allele origin: germline. Not counted in ClinVar's aggregate classification.
ClinVar note: Reason: This record appears to be redundant with a more recent record from the same submitter.
ClinVar note: Notes: SCV000186405 appears to be redundant with SCV000186907.

Literature cited by the submitters: PubMed 20104584 (cited by Labcorp Genetics (formerly Invitae), Labcorp); PubMed 12960223 (cited by 4 submitters); PubMed 26681312 (cited by 3 submitters); PubMed 21913181 (cited by 4 submitters); PubMed 23983145 (cited by Quest Diagnostics Nichols Institute San Juan Capistrano and Women's Health and Genetics/Laboratory Corporation of America, LabCorp); PubMed 17899372 (cited by Quest Diagnostics Nichols Institute San Juan Capistrano); PubMed 20215541 (cited by 3 submitters); PubMed 29446198 (cited by Quest Diagnostics Nichols Institute San Juan Capistrano); PubMed 33758026 (cited by Quest Diagnostics Nichols Institute San Juan Capistrano); PubMed 32073954 (cited by Quest Diagnostics Nichols Institute San Juan Capistrano); PubMed 28888541 (cited by Quest Diagnostics Nichols Institute San Juan Capistrano); PubMed 24131973 (cited by 3 submitters); PubMed 30267352 (cited by Quest Diagnostics Nichols Institute San Juan Capistrano and Ambry Genetics); PubMed 31090900 (cited by 4 submitters); PubMed 26295337 (cited by Quest Diagnostics Nichols Institute San Juan Capistrano); PubMed 12672316 (cited by 4 submitters); PubMed 24094589 (cited by 3 submitters).